The following is an entry in ClinVar:

ClinVar aggregate classification (germline): Likely benign (0 of 4 stars; one submission).

Conditions:
TTN-related disorder. Also called: TTN-related condition; TTN-related disease; TTN-related disorders.

Submission:

PreventionGenetics, part of Exact Sciences
Classification: Likely benign for TTN-related condition. Last evaluated: 2023-02-21. Review status: no assertion criteria provided. Collection method: clinical testing. Allele origin: germline.
Comment: This variant is classified as likely benign based on ACMG/AMP sequence variant interpretation guidelines (Richards et al. 2015 PMID: 25741868, with internal and published modifications).

NM_001267550.2(TTN):c.50001A>C (p.Thr16667=)

Genes: TTN (titin; minus strand), TTN-AS1 (TTN antisense RNA 1; plus strand). Cytogenetic location: 2q31.2.
Variant type: single nucleotide variant.
Coding change: c.50001A>C on transcript NM_001267550.2 (MANE Select); coding-DNA position 50001, A replaced by C.
Protein change: p.Thr16667=; no amino-acid change (threonine 16667 retained).
Molecular consequence: synonymous variant.
Genome position (GRCh38, 1-based): chr2:178,612,524, T>G on the plus strand (A>C on the coding strand, the complement: TTN is on the minus strand). VCF-style: chr2-178612524-T-G. GRCh37 (hg19) VCF-style: chr2-179477251-T-G.
Other names: c.45078A>C, p.Thr15026= (NM_001256850.1); c.22806A>C, p.Thr7602= (NM_003319.4); c.42297A>C, p.Thr14099= (NM_133378.4); c.23181A>C, p.Thr7727= (NM_133432.3); c.23382A>C, p.Thr7794= (NM_133437.4).
Identifiers: ClinVar variation 3055347 (VCV003055347.2), dbSNP rs2470543866, ClinGen allele CA430272822.
Genomic context (GRCh38, chr2:178,612,524, plus strand): 5'-AATGTAGTTGGTGATGGGGGACCCTCCATCTTTCTCAGGAACTGTCCATTTTAGGTCTGC[T>G]GTATTTTTTGTGATATTAATAACTTCAAGCCAGCGTGGTGGTGATGGAGGATCTGAAAAA-3'
Protein context (NP_001254479.2, residues 16657-16677): WLEVINITKN[Thr16667=]ADLKWTVPEK